The following is an entry in ClinVar:

ClinVar aggregate classification (germline): Likely benign (1 of 4 stars; one submission).

gnomAD v4.1: 58 of 1,606,402 alleles (0.0036%); highest among the groups gnomAD compares: African/African-American, 0.045%; no homozygotes.

Submission:

CeGaT Center for Human Genetics Tuebingen
Classification: Likely benign. Last evaluated: 2026-09-01. Review status: criteria provided, single submitter. Criteria: CeGaT Center For Human Genetics Tuebingen Variant Classification Criteria Version 2. Collection method: clinical testing. Allele origin: germline. Affected: yes. Observed: 1 variant allele.
Comment: KASH5: BP4, BP7

NM_144688.5(KASH5):c.816C>T (p.Ala272=)

Gene: KASH5 (KASH domain containing 5; plus strand). Cytogenetic location: 19q13.33.
Variant type: single nucleotide variant.
Coding change: c.816C>T on transcript NM_144688.5 (MANE Select); coding-DNA position 816, C replaced by T.
Protein change: p.Ala272=; no amino-acid change (alanine 272 retained).
Molecular consequence: synonymous variant.
Genome position (GRCh38, 1-based): chr19:49,406,903, C>T. VCF-style: chr19-49406903-C-T. GRCh37 (hg19) VCF-style: chr19-49910160-C-T.
Identifiers: ClinVar variation 5041172 (VCV005041172.1).